The following is an entry in ClinVar:

ClinVar aggregate classification (germline): Likely pathogenic. Review status: criteria provided, multiple submitters, no conflicts (2 of 4 stars). 4 submissions from 4 submitters: Likely pathogenic (4). Last evaluated 2025-12-08.

Conditions:
Mitochondrial trifunctional protein deficiency 1 (MTPD1). Identifiers: MedGen CN376812, MONDO:0958181, OMIM 609015.
Long chain 3-hydroxyacyl-CoA dehydrogenase deficiency. Also called: LCHAD Deficiency; Deficiency of long-chain 3-hydroxyacyl-coenzyme A dehydrogenase. Identifiers: Orphanet 5, MedGen C3711645, MONDO:0012173, OMIM 609016.
Mitochondrial trifunctional protein deficiency. Identifiers: Orphanet 746, MedGen C1969443, MONDO:0012172.

Allele frequency attached by ClinVar (database versions not stated): TOPMed below 0.00001.

Submissions (4):

Natera, Inc.
Classification: Likely pathogenic for Deficiency of long-chain 3-hydroxyacyl-coenzyme A dehydrogenase. Last evaluated: 2025-12-08. Review status: criteria provided, single submitter. Criteria: Natera Variant Classification Schema (03/2026). Collection method: clinical testing. Allele origin: germline.
Comment: The c.314+1G>C variant in HADHA is a canonical splice donor site variant predicted to affect pre-mRNA splicing, which may result in an abnormal transcript and altered protein product. This variant is expected to result in nonsense mediated decay, truncation, or a dysfunctional protein product. This variant is rare in the general population with a frequency below the threshold expected for the associated phenotype(s). Given the available evidence, this variant is classified as Likely Pathogenic.

Labcorp Genetics (formerly Invitae), Labcorp
Classification: Likely pathogenic for Mitochondrial trifunctional protein deficiency; Long chain 3-hydroxyacyl-CoA dehydrogenase deficiency. Last evaluated: 2023-09-21. Review status: criteria provided, single submitter. Criteria: Invitae Variant Classification Sherloc (09022015). Collection method: clinical testing. Allele origin: germline.
Comment: In summary, the currently available evidence indicates that the variant is pathogenic, but additional data are needed to prove that conclusively. Therefore, this variant has been classified as Likely Pathogenic. Algorithms developed to predict the effect of sequence changes on RNA splicing suggest that this variant may disrupt the consensus splice site. This variant is not present in population databases (gnomAD no frequency). This sequence change affects a donor splice site in intron 4 of the HADHA gene. It is expected to disrupt RNA splicing. Variants that disrupt the donor or acceptor splice site typically lead to a loss of protein function (PMID: 16199547), and loss-of-function variants in HADHA are known to be pathogenic (PMID: 7738175, 21103935, 21549624, 22459206). This variant has not been reported in the literature in individuals affected with HADHA-related conditions.

Baylor Genetics
Classification: Likely pathogenic for Long chain 3-hydroxyacyl-CoA dehydrogenase deficiency. Last evaluated: 2022-03-23. Review status: criteria provided, single submitter. Criteria: ACMG Guidelines, 2015. Collection method: clinical testing. Allele origin: unknown.

Juno Genomics, Hangzhou Juno Genomics, Inc
Classification: Likely pathogenic for Mitochondrial trifunctional protein deficiency 1; Long chain 3-hydroxyacyl-CoA dehydrogenase deficiency. Review status: criteria provided, single submitter. Criteria: ACMG Guidelines, 2015. Collection method: clinical testing. Allele origin: germline.
Comment: Null variant in a gene where loss of function (LOF) is a known mechanism of disease.;Absent from controls (or at extremely low frequency if recessive) in Genome Aggregation Database.

Literature cited by the submitters: PubMed 16199547 (cited by Labcorp Genetics (formerly Invitae), Labcorp); PubMed 7738175 (cited by Labcorp Genetics (formerly Invitae), Labcorp); PubMed 21103935 (cited by Labcorp Genetics (formerly Invitae), Labcorp); PubMed 21549624 (cited by Labcorp Genetics (formerly Invitae), Labcorp); PubMed 22459206 (cited by Labcorp Genetics (formerly Invitae), Labcorp).

NM_000182.5(HADHA):c.314+1G>C

Gene: HADHA (hydroxyacyl-CoA dehydrogenase trifunctional multienzyme complex subunit alpha; minus strand). Cytogenetic location: 2p23.3.
Variant type: single nucleotide variant.
Coding change: c.314+1G>C on transcript NM_000182.5 (MANE Select); the canonical splice donor site of the intron after coding-DNA position 314, G replaced by C.
Molecular consequence: splice donor variant.
Genome position (GRCh38, 1-based): chr2:26,236,854, C>G on the plus strand (G>C on the coding strand, the complement: HADHA is on the minus strand). VCF-style: chr2-26236854-C-G. GRCh37 (hg19) VCF-style: chr2-26459722-C-G.
Other names: c.314+1G>C (NM_000182.4).
Identifiers: ClinVar variation 2675978 (VCV002675978.7), dbSNP rs1183351612, ClinGen allele CA346094103.